The following is an entry in ClinVar:

ClinVar aggregate classification (germline): Uncertain significance (1 of 4 stars; one submission).

Conditions:
Brugada syndrome. Also called: Sudden unexpected nocturnal death syndrome; Sudden unexplained nocturnal death syndrome; Sudden Unexplained Nocturnal Death Syndrome (SUNDS); Sudden Unexplained Death Syndrome. Identifiers: Orphanet 130, MedGen C1142166, MONDO:0015263.

Submission:

Labcorp Genetics (formerly Invitae), Labcorp
Classification: Uncertain significance for Brugada syndrome. Last evaluated: 2024-12-17. Review status: criteria provided, single submitter. Criteria: Invitae Variant Classification Sherloc (09022015). Collection method: clinical testing. Allele origin: germline.
Comment: This sequence change affects a donor splice site in intron 36 of the CACNA2D1 gene. It is expected to disrupt RNA splicing. Variants that disrupt the donor or acceptor splice site typically lead to a loss of protein function (PMID: 16199547), however the current clinical and genetic evidence is not sufficient to establish whether loss-of-function variants in CACNA2D1 cause disease. This variant is not present in population databases (gnomAD no frequency). This variant has not been reported in the literature in individuals affected with CACNA2D1-related conditions. Algorithms developed to predict the effect of sequence changes on RNA splicing suggest that this variant may disrupt the consensus splice site. In summary, the available evidence is currently insufficient to determine the role of this variant in disease. Therefore, it has been classified as a Variant of Uncertain Significance.

Literature cited by the submitters: PubMed 16199547.

NM_000722.4(CACNA2D1):c.2966+1G>A

Gene: CACNA2D1 (calcium voltage-gated channel auxiliary subunit alpha2delta 1; minus strand). Cytogenetic location: 7q21.11.
Variant type: single nucleotide variant.
Coding change: c.2966+1G>A on transcript NM_000722.4 (MANE Select); the canonical splice donor site of the intron after coding-DNA position 2966, G replaced by A.
Molecular consequence: splice donor variant.
Genome position (GRCh38, 1-based): chr7:81,961,893, C>T on the plus strand (G>A on the coding strand, the complement: CACNA2D1 is on the minus strand). VCF-style: chr7-81961893-C-T. GRCh37 (hg19) VCF-style: chr7-81591209-C-T.
Other names: c.3002+1G>A (NM_001366867.1).
Identifiers: ClinVar variation 3727469 (VCV003727469.2).